The following is an entry in ClinVar:

ClinVar aggregate classification (germline): Uncertain significance (1 of 4 stars; one submission).

Conditions:
Charcot-Marie-Tooth disease type 4A. Also called: Charcot-Marie-Tooth disease, demyelinating, autosomal recessive, type 4a. Identifiers: Orphanet 99948, MedGen C1859198, MONDO:0008961, OMIM 214400.

Submission:

Labcorp Genetics (formerly Invitae), Labcorp
Classification: Uncertain significance for Charcot-Marie-Tooth disease type 4A. Last evaluated: 2018-08-13. Review status: criteria provided, single submitter. Criteria: Invitae Variant Classification Sherloc (09022015). Collection method: clinical testing. Allele origin: germline.
Comment: In summary, the available evidence is currently insufficient to determine the role of this variant in disease. Therefore, it has been classified as a Variant of Uncertain Significance. Algorithms developed to predict the effect of missense changes on protein structure and function (SIFT, PolyPhen-2, Align-GVGD) all suggest that this variant is likely to be tolerated, but these predictions have not been confirmed by published functional studies and their clinical significance is uncertain. This variant has not been reported in the literature in individuals with GDAP1-related disease. This variant is not present in population databases (ExAC no frequency). This sequence change replaces glutamine with proline at codon 224 of the GDAP1 protein (p.Gln224Pro). The glutamine residue is highly conserved and there is a moderate physicochemical difference between glutamine and proline.

NM_018972.4(GDAP1):c.671A>C (p.Gln224Pro)

Gene: GDAP1 (ganglioside induced differentiation associated protein 1; plus strand). Cytogenetic location: 8q21.11.
Variant type: single nucleotide variant.
Coding change: c.671A>C on transcript NM_018972.4 (MANE Select); coding-DNA position 671, A replaced by C.
Protein change: p.Gln224Pro; replaces glutamine 224 with proline.
Molecular consequence: missense variant.
Genome position (GRCh38, 1-based): chr8:74,363,030, A>C. VCF-style: chr8-74363030-A-C. GRCh37 (hg19) VCF-style: chr8-75275265-A-C.
Other names: c.467A>C, p.Gln156Pro (NM_001040875.4); c.344A>C, p.Gln115Pro (NM_001362929.2, NM_001362932.2); c.497A>C, p.Gln166Pro (NM_001362930.2); c.671A>C, p.Gln224Pro (NM_001362931.2); short protein forms Q115P, Q156P, Q166P, Q224P.
Identifiers: ClinVar variation 662706 (VCV000662706.8), dbSNP rs1586806229, ClinGen allele CA371549655.